The following is an entry in ClinVar:

ClinVar aggregate classification (germline): Uncertain significance. Review status: criteria provided, multiple submitters, no conflicts (2 of 4 stars). 2 submissions from 2 submitters: Uncertain significance (2). Last evaluated 2026-01-13.

Allele frequency attached by ClinVar (database versions not stated): TOPMed 0.00001.
gnomAD v4.1: 1 of 1,565,938 alleles (0.000064%); no homozygotes.

Submissions (2):

Labcorp Genetics (formerly Invitae), Labcorp
Classification: Uncertain significance. Last evaluated: 2026-01-13. Review status: criteria provided, single submitter. Criteria: Invitae Variant Classification Sherloc (09022015). Collection method: clinical testing. Allele origin: germline.
Comment: This sequence change falls in intron 10 of the KIZ gene. It does not directly change the encoded amino acid sequence of the KIZ protein. It affects a nucleotide within the consensus splice site. This variant is not present in population databases (gnomAD no frequency). This variant has not been reported in the literature in individuals affected with KIZ-related conditions. ClinVar contains an entry for this variant (Variation ID: 1043082). Variants that disrupt the consensus splice site are a relatively common cause of aberrant splicing (PMID: 17576681, 9536098). Algorithms developed to predict the effect of sequence changes on RNA splicing suggest that this variant is not likely to affect RNA splicing. In summary, the available evidence is currently insufficient to determine the role of this variant in disease. Therefore, it has been classified as a Variant of Uncertain Significance.

Blueprint Genetics
Classification: Uncertain significance. Last evaluated: 2024-11-01. Review status: criteria provided, single submitter. Criteria: ACMG Guidelines, 2015. Collection method: clinical testing. Allele origin: germline.

Literature cited by the submitters: PubMed 17576681 (cited by Labcorp Genetics (formerly Invitae), Labcorp); PubMed 9536098 (cited by Labcorp Genetics (formerly Invitae), Labcorp).

NM_018474.6(KIZ):c.1783+4A>G

Gene: KIZ (kizuna centrosomal protein; plus strand). Cytogenetic location: 20p11.23.
Variant type: single nucleotide variant.
Coding change: c.1783+4A>G on transcript NM_018474.6 (MANE Select); 4 bases into the intron after coding-DNA position 1783, A replaced by G.
Molecular consequence: intron variant.
Genome position (GRCh38, 1-based): chr20:21,229,119, A>G. VCF-style: chr20-21229119-A-G. GRCh37 (hg19) VCF-style: chr20-21209757-A-G.
Other names: c.1636+4A>G (NM_001276389.2); c.1441+4A>G (NM_001352436.2); c.1729+4A>G (NM_001352434.2); c.1474+4A>G (NM_001163022.3); c.1420+4A>G (NM_001352435.2); c.1384+4A>G (NM_001163023.3).
Identifiers: ClinVar variation 1043082 (VCV001043082.9), dbSNP rs1315221705, ClinGen allele CA742053758.
Genomic context (GRCh38, chr20:21,229,119, plus strand): 5'-CAAATCAAACTGAAAACAGGTTTCAAAAGACAGATGCTTCTGTGTCACACTTGTCAGGTA[A>G]GTAAGAGCAGATGGCAGTGTCCAGGGGCCCAGAGTGGCAGGCAGGGCTGTGTTCGGGGAA-3'